The following is an entry in ClinVar:

NM_003873.7(NRP1):c.1303T>C (p.Leu435=)

Gene: NRP1 (neuropilin 1; minus strand). Cytogenetic location: 10p11.22.
Variant type: single nucleotide variant.
Coding change: c.1303T>C on transcript NM_003873.7 (MANE Select); coding-DNA position 1303, T replaced by C.
Protein change: p.Leu435=; no amino-acid change (leucine 435 retained).
Molecular consequence: synonymous variant. On other transcripts: non-coding transcript variant (1).
Genome position (GRCh38, 1-based): chr10:33,213,697, A>G on the plus strand (T>C on the coding strand, the complement: NRP1 is on the minus strand). VCF-style: chr10-33213697-A-G. GRCh37 (hg19) VCF-style: chr10-33502625-A-G.
Other names: c.1303T>C, p.Leu435= (NM_001024628.3, NM_001024629.3, NM_001244972.2 and 2 more transcripts).
Identifiers: ClinVar variation 3349958 (VCV003349958.1).

ClinVar aggregate classification (germline): Likely benign (0 of 4 stars; one submission).

Conditions:
NRP1-related disorder. Also called: NRP1-related condition.

Submission:

PreventionGenetics, part of Exact Sciences
Classification: Likely benign for NRP1-related condition. Last evaluated: 2024-03-22. Review status: no assertion criteria provided. Collection method: clinical testing. Allele origin: germline.
Comment: This variant is classified as likely benign based on ACMG/AMP sequence variant interpretation guidelines (Richards et al. 2015 PMID: 25741868, with internal and published modifications).